The following is an entry in ClinVar:

NM_001009944.3(PKD1):c.12506C>T (p.Ser4169Phe)

Gene: PKD1 (polycystin 1, transient receptor potential channel interacting; minus strand). Cytogenetic location: 16p13.3.
Variant type: single nucleotide variant.
Coding change: c.12506C>T on transcript NM_001009944.3 (MANE Select); coding-DNA position 12506, C replaced by T.
Protein change: p.Ser4169Phe; replaces serine 4169 with phenylalanine.
Molecular consequence: missense variant.
Genome position (GRCh38, 1-based): chr16:2,090,133, G>A on the plus strand (C>T on the coding strand, the complement: PKD1 is on the minus strand). VCF-style: chr16-2090133-G-A. GRCh37 (hg19) VCF-style: chr16-2140134-G-A.
Other names: c.12503C>T, p.Ser4168Phe (NM_000296.4); short protein forms S4168F, S4169F.
Identifiers: ClinVar variation 2502514 (VCV002502514.2), dbSNP rs2544580443, ClinGen allele CA394322506.
Genomic context (GRCh38, chr16:2,090,133, plus strand): 5'-GTGGAGGGGTGCGAGGCATCGGAGCCAGCGCTGGGTGGGGGCACATCCGGGGATACCTTG[G>A]AGCCCCTGGAGGAGCGAGAGGGCAGCGGCTCCATCCCTTCAAAGCGGACTTTGTGGCGGA-3'
Protein context (NP_001009944.3, residues 4159-4179): EPLPSRSSRG[Ser4169Phe]KVSPDVPPPS

ClinVar aggregate classification (germline): Uncertain significance (1 of 4 stars; one submission).

gnomAD v4.1: 1 of 1,597,056 alleles (0.000063%); highest among the groups gnomAD compares: Non-Finnish European, 0.000085%; no homozygotes.

Submission:

GeneDx
Classification: Uncertain significance. Last evaluated: 2023-08-03. Review status: criteria provided, single submitter. Criteria: GeneDx Variant Classification Process June 2021. Collection method: clinical testing. Allele origin: germline.
Comment: Not observed at significant frequency in large population cohorts (gnomAD); In silico analysis supports that this missense variant has a deleterious effect on protein structure/function; Has not been previously published as pathogenic or benign to our knowledge